The following is an entry in ClinVar:

NM_203447.4(DOCK8):c.2751G>T (p.Glu917Asp)

Gene: DOCK8 (dedicator of cytokinesis 8; plus strand). Cytogenetic location: 9p24.3.
Variant type: single nucleotide variant.
Coding change: c.2751G>T on transcript NM_203447.4 (MANE Select); coding-DNA position 2751, G replaced by T.
Protein change: p.Glu917Asp; replaces glutamic acid 917 with aspartic acid.
Molecular consequence: missense variant.
Genome position (GRCh38, 1-based): chr9:382,658, G>T. VCF-style: chr9-382658-G-T. GRCh37 (hg19) VCF-style: chr9-382658-G-T.
Other names: c.2547G>T, p.Glu849Asp (NM_001190458.2, NM_001193536.2); short protein forms E849D, E917D.
Identifiers: ClinVar variation 835446 (VCV000835446.1), dbSNP rs767011914, ClinGen allele CA4958311.

ClinVar aggregate classification (germline): Uncertain significance (1 of 4 stars; one submission).

Conditions:
Combined immunodeficiency due to DOCK8 deficiency (HIES2). Also called: HIES autosomal recessive; HYPER-IgE SYNDROME 2, AUTOSOMAL RECESSIVE, WITH RECURRENT INFECTIONS; HYPER-IgE RECURRENT INFECTION SYNDROME 2, AUTOSOMAL RECESSIVE; DOCK8 Deficiency; Hyper-IgE recurrent infection syndrome, autosomal recessive. Identifiers: Orphanet 217390, MedGen C4722305, MONDO:0009478, OMIM 243700.

Allele frequency attached by ClinVar (database versions not stated): TOPMed 0.00002.
gnomAD v4.1: 56 of 1,614,064 alleles (0.0035%); highest among the groups gnomAD compares: Non-Finnish European, 0.0046%; no homozygotes.

Submission:

Labcorp Genetics (formerly Invitae), Labcorp
Classification: Uncertain significance for Hyper-Immunoglobulin E Syndrome, Autosomal Recessive. Last evaluated: 2019-03-11. Review status: criteria provided, single submitter. Criteria: Invitae Variant Classification Sherloc (09022015). Collection method: clinical testing. Allele origin: germline.
Comment: This sequence change replaces glutamic acid with aspartic acid at codon 917 of the DOCK8 protein (p.Glu917Asp). The glutamic acid residue is moderately conserved and there is a small physicochemical difference between glutamic acid and aspartic acid. This variant is present in population databases (rs767011914, ExAC 0.002%). This variant has not been reported in the literature in individuals with DOCK8-related conditions. Algorithms developed to predict the effect of missense changes on protein structure and function (SIFT, PolyPhen-2, Align-GVGD) all suggest that this variant is likely to be tolerated, but these predictions have not been confirmed by published functional studies and their clinical significance is uncertain. In summary, the available evidence is currently insufficient to determine the role of this variant in disease. Therefore, it has been classified as a Variant of Uncertain Significance.